The following is an entry in ClinVar:

ClinVar aggregate classification (germline): Conflicting classifications of pathogenicity. Review status: criteria provided, conflicting classifications (1 of 4 stars). 27 submissions from 26 submitters: Pathogenic (5); Likely pathogenic (9); Uncertain significance (11); Benign (1). 1 of the submissions does not count toward it. Last evaluated 2026-08-20.

Conditions:
Sensory ataxic neuropathy, dysarthria, and ophthalmoparesis (SANDO). Also called: Sensory ataxic neuropathy-dysarthria-ophthalmoparesis syndrome; Ataxia Neuropathy Spectrum (ANS); Epilepsy, progressive myoclonic, type 5; SENSORY ATAXIC NEUROPATHY WITH MITOCHONDRIAL DNA DELETIONS, AUTOSOMAL RECESSIVE. Identifiers: Orphanet 70595, MedGen C1843851, MONDO:0011835, OMIM 607459.
Progressive sclerosing poliodystrophy (MTDPS4A). Also called: Alpers Syndrome; Mitochondrial DNA depletion syndrome 4A (Alpers type); ALPERS DIFFUSE DEGENERATION OF CEREBRAL GRAY MATTER WITH HEPATIC CIRRHOSIS; Alpers-Huttenlocher Syndrome; ALPERS PROGRESSIVE INFANTILE POLIODYSTROPHY; NEURONAL DEGENERATION OF CHILDHOOD WITH LIVER DISEASE, PROGRESSIVE. Identifiers: Orphanet 726, MedGen C0205710, MONDO:0008758, OMIM 203700.
Progressive external ophthalmoplegia with mitochondrial DNA deletions, autosomal recessive 1 (PEOB1). Also called: Progressive external ophthalmoplegia, autosomal recessive 1; Autosomal Recessive Progressive External Ophthalmoplegia (arPEO). Identifiers: Orphanet 254886, MedGen C4225153, MONDO:0009783, OMIM 258450.
Mitochondrial DNA depletion syndrome 4b. Also called: MNGIE, POLG-RELATED; Mitochondrial Neurogastrointestinal Encephalopathy Disease, POLG-Related. Identifiers: Orphanet 298, MedGen C3150914, MONDO:0013350, OMIM 613662.
POLG-related disorder. Also called: POLG-Related Spectrum Disorders; POLG-related condition; POLG-Related Disorders. Identifiers: MedGen C4763519.
Inborn genetic diseases. Identifiers: MedGen C0950123, MeSH D030342.
Progressive external ophthalmoplegia with mitochondrial DNA deletions, autosomal dominant 1 (PEOA1). Also called: PROGRESSIVE EXTERNAL OPHTHALMOPLEGIA, AUTOSOMAL DOMINANT 1; Autosomal Dominant Progressive External Ophthalmoplegia (adPEO). Identifiers: MedGen C1834846, MONDO:0024528, OMIM 157640.
Mitochondrial DNA depletion syndrome 1. Also called: Mitochondrial Neurogastrointestinal Encephalopathy Disease; MITOCHONDRIAL NEUROGASTROINTESTINAL ENCEPHALOPATHY SYNDROME, TYMP-RELATED; MNGIE, TYMP-RELATED; Mitochondrial DNA depletion syndrome 1 (MNGIE type); Mitochondrial neurogastrointestinal encephalomyopathy syndrome; POLIP SYNDROME. Identifiers: Orphanet 298, MedGen C4551995, MONDO:0011283, OMIM 603041.
Hereditary spastic paraplegia. Also called: Familial spastic paraparesis. Identifiers: Orphanet 685, MedGen C0037773, MONDO:0019064. Disease mechanism: loss of function.
Mitochondrial disease. Also called: Mitochondrial disorder; Mitochondrial disorders. Identifiers: Orphanet 68380, MedGen C0751651, MeSH D028361, MONDO:0044970.
MELAS syndrome (MELAS). Also called: Juvenile myopathy, encephalopathy, lactic acidosis, stroke. Identifiers: Orphanet 550, MedGen C0162671, MONDO:0010789, OMIM 540000.
Spinocerebellar atrophy. Also called: Spinocerebellar ataxia. Identifiers: MedGen C0087012, MeSH D020754, HP:0007263.

Allele frequency attached by ClinVar (database versions not stated): gnomAD exomes 0.00020 and 0.00068; gnomAD 0.00033 and 0.00043; TOPMed 0.00037; ExAC 0.00071; 1000 Genomes Project 30x 0.00234; 1000 Genomes Project 0.00300.
gnomAD v4.1: 392 of 1,613,906 alleles (0.024%); highest among the groups gnomAD compares: East Asian, 0.66%; 1 homozygote.

Submissions 1 to 5 of 27:

GeneDx
Classification: Uncertain significance. Last evaluated: 2026-08-20. Review status: criteria provided, single submitter. Criteria: GeneDx Variant Classification Process June 2021. Collection method: clinical testing. Allele origin: germline.
Comment: Published functional studies demonstrate that R964C polymerase gamma showed reduced activity in vitro compared to wild-type (PMID: 17436221, 27987238); In silico analysis supports that this missense variant has a deleterious effect on protein structure/function; This variant is associated with the following publications: (PMID: 19364868, 20176107, 25852747, 20206271, 17436221, 27987238, 25462018, 19762913, 34426522, 24091540, 21880868, 37470284, 18546365, 30941926, 37453004, 29992832, 32165824, 33300680, 32005694, 35314707, 35598585, 31180159, 33763395, 31521625, 31665838, 40034369, 40282368, Lim2025[article], 41520097, 38012111, 38705812, 42231211, 42526847, 41772667, 37168916, 41691317, 32502631, 32348839, 35478072, 34690748, Lu2026[Article], 36918699)

PreventionGenetics, part of Exact Sciences
Classification: Uncertain significance for POLG-related condition. Last evaluated: 2026-04-21. Review status: criteria provided, single submitter. Criteria: ACMG Guidelines, 2015. Collection method: clinical testing. Allele origin: germline.
Comment: The POLG c.2890C>T variant is predicted to result in the amino acid substitution p.Arg964Cys. This variant has been documented in patients with variable clinical manifestations including Parkinson disease (Hsieh et al. 2019. PubMed ID: 30941926; Kasahara et al. 2017. PubMed ID: 27987238). An in vitro study suggested that this variant may decrease nucleoside analog discrimination and impair the polymerase activity (Bailey et al. 2009. PubMed ID: 19364868). However, this variant has an allele frequency of 0.93% in Eastern Asians, including one homozygote in a large public population database (gnomAD), which may be too frequent to be a primary cause of disease. This variant has also been listed with conflicting interpretations from pathogenic to benign in ClinVar (Variation ID: 206537). Although we suspect that this variant may be benign, at this time, we cannot rule out the possibility that this variant may function as a hypomorphic allele, and therefore the clinical significance of this variant is currently classified as uncertain.

Labcorp Genetics (formerly Invitae), Labcorp
Classification: Benign for Progressive sclerosing poliodystrophy. Last evaluated: 2026-02-02. Review status: criteria provided, single submitter. Criteria: Invitae Variant Classification Sherloc (09022015). Collection method: clinical testing. Allele origin: germline.

Victorian Clinical Genetics Services, Murdoch Childrens Research Institute
Classification: Likely pathogenic for Mitochondrial disease. Last evaluated: 2025-09-29. Review status: criteria provided, single submitter. Criteria: ACMG Guidelines, 2015. Collection method: clinical testing. Allele origin: germline. Affected: no.
Comment: This variant is classified as Likely pathogenic. Evidence in support of pathogenic classification: Variant is present in gnomAD <0.01 (v4) (390 heterozygotes, 1 homozygote); This variant has moderate previous evidence of pathogenicity in unrelated individuals. The variant has been previously reported in both a homozygous and compound heterozygous state in multiple individuals with POLG-related disorders (PMID: 19762913, 21880868, 24091540, 31521625, 34690748, 36918699, 38012111, 37168916). The variable age of onset and clinical presentations suggests variable expressivity for this variant (PMID: 19762913, 21880868, 24091540, 31521625). There are also conflicting classifications in ClinVar; This variant has moderate functional evidence supporting abnormal protein function. Functional studies show that this variant causes reduced activity and mtDNA levels as well as reduced exonuclease and polymerase activities. (PMID: 17436221, 27987238); Missense variant consistently predicted to be damaging by in silico tools or highly conserved with a major amino acid change. Additional information: Variant is predicted to result in a missense amino acid change from arginine to cysteine; This variant is heterozygous; This gene is associated with both recessive and dominant disease. Variants are usually inherited in a recessive manner, however progressive external ophthalmoplegia can also be dominant when heterozygous variants are located in the highly conserved active site of motif B of the polymerase domain (PMID: 30451971); Multiple alternative amino acid changes at the same position have been observed in gnomAD (v4) (highest allele count: 34 heterozygotes, 0 homozygotes); No comparable missense variants have previous evidence for pathogenicity; Variant is located in the annotated polymerase domain (PMID: 21880868); Loss of function is a known mechanism of disease in this gene and is associated with mitochondrial disease, MONDO:0044970, POLG-related; Variants in this gene are known to have variable expressivity (PMID: 20301791).

Genesolutions, Medical Genetics Institutes, Ho Chi Minh City, Vietnam
Classification: Uncertain significance for Mitochondrial DNA depletion syndrome 4b. Last evaluated: 2025-09-24. Review status: criteria provided, single submitter. Criteria: ACMG Guidelines, 2015. Collection method: clinical testing. Allele origin: germline. Affected: yes.

NM_002693.3(POLG):c.2890C>T (p.Arg964Cys)

Gene: POLG (DNA polymerase gamma, catalytic subunit; minus strand). Cytogenetic location: 15q26.1.
Variant type: single nucleotide variant.
Coding change: c.2890C>T on transcript NM_002693.3 (MANE Select); coding-DNA position 2890, C replaced by T.
Protein change: p.Arg964Cys; replaces arginine 964 with cysteine.
Molecular consequence: missense variant.
Genome position (GRCh38, 1-based): chr15:89,320,857, G>A on the plus strand (C>T on the coding strand, the complement: POLG is on the minus strand). VCF-style: chr15-89320857-G-A. GRCh37 (hg19) VCF-style: chr15-89864088-G-A.
Other names: p.R964C:CGC>TGC; p.Arg964Cys; c.2890C>T, p.Arg964Cys (NM_001126131.2); short protein forms R964C.
Identifiers: ClinVar variation 206537 (VCV000206537.111), dbSNP rs201477273, ClinGen allele CA316719.